The following is an entry in ClinVar:

ClinVar aggregate classification (germline): Uncertain significance. Review status: criteria provided, multiple submitters, no conflicts (2 of 4 stars). 3 submissions from 3 submitters: Uncertain significance (3). Last evaluated 2025-08-18.

Conditions:
Global developmental delay - lung cysts - overgrowth - Wilms tumor syndrome. Also called: GLOW Syndrome; GLOBAL DEVELOPMENTAL DELAY, LUNG CYSTS, OVERGROWTH, AND WILMS TUMOR. Identifiers: Orphanet 404476, MedGen C4748924, MONDO:0018445, OMIM 618272.
DICER1-related tumor predisposition. Also called: DICER1-related pleuropulmonary blastoma cancer predisposition syndrome; DICER1 syndrome. Identifiers: Orphanet 284343, MedGen C3839822, MONDO:0100216.
Hereditary cancer-predisposing syndrome. Also called: Tumor predisposition; Neoplastic Syndromes, Hereditary; Hereditary Cancer Syndrome; Hereditary neoplastic syndrome. Identifiers: Orphanet 140162, MedGen C0027672, MeSH D009386, MONDO:0015356.

Allele frequency attached by ClinVar (database versions not stated): gnomAD exomes below 0.00001.

Submissions (3):

Ambry Genetics
Classification: Uncertain significance for Hereditary cancer-predisposing syndrome. Last evaluated: 2025-08-18. Review status: criteria provided, single submitter. Criteria: Ambry Variant Classification Scheme 2023. Collection method: clinical testing. Allele origin: germline.
Comment: The p.G25D variant (also known as c.74G>A), located in coding exon 1 of the DICER1 gene, results from a G to A substitution at nucleotide position 74. The glycine at codon 25 is replaced by aspartic acid, an amino acid with similar properties. This amino acid position is highly conserved in available vertebrate species. In addition, this alteration is predicted to be deleterious by in silico analysis. Since supporting evidence is limited at this time, the clinical significance of this alteration remains unclear.

Baylor Genetics
Classification: Uncertain significance for Global developmental delay - lung cysts - overgrowth - Wilms tumor syndrome. Last evaluated: 2023-11-21. Review status: criteria provided, single submitter. Criteria: ACMG Guidelines, 2015. Collection method: clinical testing. Allele origin: unknown.

Labcorp Genetics (formerly Invitae), Labcorp
Classification: Uncertain significance for DICER1-related tumor predisposition. Last evaluated: 2020-01-14. Review status: criteria provided, single submitter. Criteria: Invitae Variant Classification Sherloc (09022015). Collection method: clinical testing. Allele origin: germline.
Comment: This sequence change replaces glycine with aspartic acid at codon 25 of the DICER1 protein (p.Gly25Asp). The glycine residue is highly conserved and there is a moderate physicochemical difference between glycine and aspartic acid. This variant is not present in population databases (ExAC no frequency). This variant has not been reported in the literature in individuals with DICER1-related conditions. ClinVar contains an entry for this variant (Variation ID: 479643). Algorithms developed to predict the effect of missense changes on protein structure and function are either unavailable or do not agree on the potential impact of this missense change (SIFT: "Deleterious"; PolyPhen-2: "Probably Damaging"; Align-GVGD: "Class C0"). In summary, the available evidence is currently insufficient to determine the role of this variant in disease. Therefore, it has been classified as a Variant of Uncertain Significance.

NM_177438.3(DICER1):c.74G>A (p.Gly25Asp)

Gene: DICER1 (dicer 1, ribonuclease III; minus strand). Cytogenetic location: 14q32.13.
Variant type: single nucleotide variant.
Coding change: c.74G>A on transcript NM_177438.3 (MANE Select); coding-DNA position 74, G replaced by A.
Protein change: p.Gly25Asp; replaces glycine 25 with aspartic acid.
Molecular consequence: missense variant.
Genome position (GRCh38, 1-based): chr14:95,133,385, C>T on the plus strand (G>A on the coding strand, the complement: DICER1 is on the minus strand). VCF-style: chr14-95133385-C-T. GRCh37 (hg19) VCF-style: chr14-95599722-C-T.
Other names: c.74G>A, p.Gly25Asp (NM_001195573.1, NM_001271282.3, NM_001291628.2 and 1 more transcripts); short protein forms G25D.
Identifiers: ClinVar variation 479643 (VCV000479643.17), dbSNP rs1555376566, ClinGen allele CA390890561.